The following is an entry in ClinVar:

NM_002880.4(RAF1):c.834+598G>A

Gene: RAF1 (Raf-1 proto-oncogene, serine/threonine kinase; minus strand). Cytogenetic location: 3p25.2.
Variant type: single nucleotide variant.
Coding change: c.834+598G>A on transcript NM_002880.4 (MANE Select); 598 bases into the intron after coding-DNA position 834, G replaced by A.
Molecular consequence: intron variant. On other transcripts: splice acceptor variant (2).
Genome position (GRCh38, 1-based): chr3:12,603,538, C>T on the plus strand (G>A on the coding strand, the complement: RAF1 is on the minus strand). VCF-style: chr3-12603538-C-T. GRCh37 (hg19) VCF-style: chr3-12645037-C-T.
Other names: c.492+598G>A (NM_001354695.3); c.591+598G>A (NM_001354692.3, NM_001354691.3); c.592-1G>A (NM_001354694.3); c.735+598G>A (NM_001354693.3); c.835-1G>A (NM_001354689.3); c.834+598G>A (NM_001354690.3, NM_002880.3).
Identifiers: ClinVar variation 1174673 (VCV001174673.6), dbSNP rs375404697, ClinGen allele CA2259681.

ClinVar aggregate classification (germline): Conflicting classifications of pathogenicity. Review status: criteria provided, conflicting classifications (1 of 4 stars). 4 submissions from 4 submitters: Uncertain significance (1); Likely benign (1). 2 of the submissions do not count toward it. Last evaluated 2022-05-11.

Conditions:
Noonan syndrome 5 (NS5). Also called: RAF1-Related Noonan Syndrome. Identifiers: Orphanet 648, MedGen C1969057, MONDO:0012690, OMIM 611553. Disease mechanism: gain of function.
Dilated cardiomyopathy 1NN. Identifiers: Orphanet 154, MedGen C4014656, MONDO:0014396, OMIM 615916.
LEOPARD syndrome 2 (LPRD2). Also called: RAF1-Related LEOPARD Syndrome. Identifiers: Orphanet 500, MedGen C1969056, MONDO:0012691, OMIM 611554.

Allele frequency attached by ClinVar (database versions not stated): gnomAD exomes 0.00001 and 0.00006; ExAC 0.00007; TOPMed 0.00007; gnomAD 0.00008 and 0.00009.
gnomAD v4.1: 62 of 700,376 alleles (0.0089%); highest among the groups gnomAD compares: African/African-American, 0.014%; 4 homozygotes.

Submissions (4):

Fulgent Genetics
Classification: Uncertain significance for Noonan syndrome 5; LEOPARD syndrome 2; Dilated cardiomyopathy 1NN. Last evaluated: 2022-05-11. Review status: criteria provided, single submitter. Criteria: ACMG Guidelines, 2015. Collection method: clinical testing. Allele origin: unknown.

Victorian Clinical Genetics Services, Murdoch Childrens Research Institute
Classification: Likely benign for Noonan syndrome 5. Last evaluated: 2022-03-31. Review status: criteria provided, single submitter. Criteria: ACMG Guidelines, 2015. Collection method: clinical testing. Allele origin: germline. Inheritance: Autosomal dominant inheritance.
Comment: Based on the classification scheme VCGS_Germline_v1.3.4, this variant is classified as Likely benign. Following criteria are met: 0103 - Loss of function and gain of function are known mechanisms of disease in this gene. Gain of function is associated with Noonan (MIM#611553) and LEOPARD syndromes (MIM#2611554), while loss of function is associated with non-HCM-associated variants (PMIDs: 17603483, 17603482). (I) 0107 - This gene is associated with autosomal dominant disease. (I) 0211 - Canonical splice site variant without proven consequence on splicing (no functional evidence available). (SP) 0219 - This variant is deep intronic in an alternative transcript. This variant is deep intronic in the ClinVar predominant and MANE select transcript NM_002880.4, and is only in a splice region of two of the eight RefSeq transcripts for this gene. The NM_001354689.1 transcript, where this variant is in a canonical splice region, was previously predominant in ClinVar. However, this variant is located adjacent to an exon in which there are no pathogenic or likely pathogenic variants in ClinVar. (I) 0251 - This variant is heterozygous. (I) 0308 - Population frequency for this variant is out of keeping with known incidence of Noonan syndrome (MIM#611553). (SB) 0309 - An alternative amino acid change at the same position has been observed in gnomAD (v2) (1 heterozygote, 0 homozygotes). (I) 0508 - In silico predictions of abnormal splicing are conflicting. (I) 0705 - No comparable splice region variants have previous evidence for pathogenicity. (I) 0809 - Previous evidence of pathogenicity for this variant is inconclusive. This variant has been observed by two clinical laboratories in ClinVar and classified as a VUS by both. (I) 0905 - No published segregation evidence has been identified for this variant. (I) 1007 - No published functional evidence has been identified for this variant. (I) 1208 - Inheritance information for this variant is not currently available in this individual. (I) Legend: (SP) - Supporting pathogenic, (I) - Information, (SB) - Supporting benign

Clinical Genetics DNA and cytogenetics Diagnostics Lab, Erasmus MC, Erasmus Medical Center
Classification: Uncertain significance. Review status: no assertion criteria provided. Collection method: clinical testing. Allele origin: germline. Affected: yes. Study: VKGL Data-share Consensus. Not counted in ClinVar's aggregate classification.

Diagnostic Laboratory, Department of Genetics, University Medical Center Groningen
Classification: Uncertain significance. Review status: no assertion criteria provided. Collection method: clinical testing. Allele origin: germline. Affected: yes. Study: VKGL Data-share Consensus. Not counted in ClinVar's aggregate classification.

Literature cited by the submitters: PubMed 17603482 (cited by Victorian Clinical Genetics Services, Murdoch Childrens Research Institute); PubMed 17603483 (cited by Victorian Clinical Genetics Services, Murdoch Childrens Research Institute).